The following is an entry in ClinVar:

ClinVar aggregate classification (germline): Uncertain significance. Review status: criteria provided, multiple submitters, no conflicts (2 of 4 stars). 2 submissions from 2 submitters: Uncertain significance (2). Last evaluated 2026-01-05.

Conditions:
Inborn genetic diseases. Identifiers: MedGen C0950123, MeSH D030342.

Allele frequency attached by ClinVar (database versions not stated): 1000 Genomes Project 30x 0.00016; 1000 Genomes Project 0.00020; TOPMed 0.00023; gnomAD 0.00027 and 0.00028; gnomAD exomes 0.00027; ExAC 0.00031.
gnomAD v4.1: 443 of 1,571,506 alleles (0.028%); highest among the groups gnomAD compares: South Asian, 0.068%; 1 homozygote.

Submissions (2):

Labcorp Genetics (formerly Invitae), Labcorp
Classification: Uncertain significance. Last evaluated: 2026-01-05. Review status: criteria provided, single submitter. Criteria: Invitae Variant Classification Sherloc (09022015). Collection method: clinical testing. Allele origin: germline.
Comment: This sequence change replaces histidine, which is basic and polar, with glutamine, which is neutral and polar, at codon 3453 of the LAMA5 protein (p.His3453Gln). This variant is present in population databases (rs574037338, gnomAD 0.08%). This variant has not been reported in the literature in individuals affected with LAMA5-related conditions. ClinVar contains an entry for this variant (Variation ID: 1503044). An algorithm developed to predict the effect of missense changes on protein structure and function (PolyPhen-2) suggests that this variant is likely to be tolerated. In summary, the available evidence is currently insufficient to determine the role of this variant in disease. Therefore, it has been classified as a Variant of Uncertain Significance.

Ambry Genetics
Classification: Uncertain significance for Inborn genetic diseases. Last evaluated: 2021-07-13. Review status: criteria provided, single submitter. Criteria: Ambry Variant Classification Scheme 2023. Collection method: clinical testing. Allele origin: germline.

NM_005560.6(LAMA5):c.10359C>G (p.His3453Gln)

Gene: LAMA5 (laminin subunit alpha 5; minus strand). Cytogenetic location: 20q13.33.
Variant type: single nucleotide variant.
Coding change: c.10359C>G on transcript NM_005560.6 (MANE Select); coding-DNA position 10359, C replaced by G.
Protein change: p.His3453Gln; replaces histidine 3453 with glutamine.
Molecular consequence: missense variant.
Genome position (GRCh38, 1-based): chr20:62,310,752, G>C on the plus strand (C>G on the coding strand, the complement: LAMA5 is on the minus strand). VCF-style: chr20-62310752-G-C. GRCh37 (hg19) VCF-style: chr20-60885808-G-C.
Other names: c.10359C>G (NM_005560.3); short protein forms H3453Q.
Identifiers: ClinVar variation 1503044 (VCV001503044.7), dbSNP rs574037338, ClinGen allele CA9939818.
Genomic context (GRCh38, chr20:62,310,752, plus strand): 5'-CGGGAGGCCGCCCACAAAGAGGGTGTGGGGCTGGGGGTGCTCTGCCCCCTGGTGCTGCCG[G>C]TGCGGCCCCTCCTGGCTCCAGGCCCGGGCCCCGTCCGTCACCAGCAGGATCCGGTTCTTC-3'
Protein context (NP_005551.3, residues 3443-3463): GARAWSQEGP[His3453Gln]RQHQGAEHPQ